The following is an entry in ClinVar:

ClinVar aggregate classification (germline): Uncertain significance (1 of 4 stars; one submission).

Conditions:
Congenital myasthenic syndrome 18. Also called: MYASTHENIC SYNDROME, CONGENITAL, 18, WITH INTELLECTUAL DISABILITY AND ATAXIA. Identifiers: Orphanet 590, MedGen C4225364, MONDO:0014590, OMIM 616330.

Allele frequency attached by ClinVar (database versions not stated): gnomAD exomes 0.00001; gnomAD 0.00002; TOPMed 0.00002; ExAC 0.00001.
gnomAD v4.1: 16 of 1,613,044 alleles (0.00099%); highest among the groups gnomAD compares: African/African-American, 0.004%; no homozygotes.

Submission:

Labcorp Genetics (formerly Invitae), Labcorp
Classification: Uncertain significance for Congenital myasthenic syndrome 18. Last evaluated: 2022-06-10. Review status: criteria provided, single submitter. Criteria: Invitae Variant Classification Sherloc (09022015). Collection method: clinical testing. Allele origin: germline.
Comment: In summary, the available evidence is currently insufficient to determine the role of this variant in disease. Therefore, it has been classified as a Variant of Uncertain Significance. Algorithms developed to predict the effect of missense changes on protein structure and function (SIFT, PolyPhen-2, Align-GVGD) all suggest that this variant is likely to be tolerated. This variant has not been reported in the literature in individuals affected with SNAP25-related conditions. This variant is present in population databases (rs774645750, gnomAD 0.004%). This sequence change replaces arginine, which is basic and polar, with histidine, which is basic and polar, at codon 119 of the SNAP25 protein (p.Arg119His).

NM_130811.4(SNAP25):c.356G>A (p.Arg119His)

Gene: SNAP25 (synaptosome associated protein 25; plus strand). Cytogenetic location: 20p12.2.
Variant type: single nucleotide variant.
Coding change: c.356G>A on transcript NM_130811.4 (MANE Select); coding-DNA position 356, G replaced by A.
Protein change: p.Arg119His; replaces arginine 119 with histidine.
Molecular consequence: missense variant.
Genome position (GRCh38, 1-based): chr20:10,296,999, G>A. VCF-style: chr20-10296999-G-A. GRCh37 (hg19) VCF-style: chr20-10277647-G-A.
Other names: c.356G>A, p.Arg119His (NM_001322902.2, NM_001322903.2, NM_001322904.2 and 7 more transcripts); short protein forms R119H.
Identifiers: ClinVar variation 1379054 (VCV001379054.8), dbSNP rs774645750, ClinGen allele CA9763360.